The following is an entry in ClinVar:

NM_001128178.3(NPHP1):c.2018G>A (p.Arg673Lys)

Gene: NPHP1 (nephrocystin 1; minus strand). Cytogenetic location: 2q13.
Variant type: single nucleotide variant.
Coding change: c.2018G>A on transcript NM_001128178.3 (MANE Select); coding-DNA position 2018, G replaced by A.
Protein change: p.Arg673Lys; replaces arginine 673 with lysine.
Molecular consequence: missense variant. On other transcripts: 3 prime UTR variant (1).
Genome position (GRCh38, 1-based): chr2:110,123,807, C>T on the plus strand (G>A on the coding strand, the complement: NPHP1 is on the minus strand). VCF-style: chr2-110123807-C-T. GRCh37 (hg19) VCF-style: chr2-110881384-C-T.
Other names: c.2186G>A, p.Arg729Lys (NM_000272.5); c.1829G>A, p.Arg610Lys (NM_001128179.3); c.2015G>A, p.Arg672Lys (NM_001374256.1); c.*260G>A (NM_001374257.1); c.2183G>A, p.Arg728Lys (NM_207181.4); short protein forms R673K, R728K, R610K, R672K, R729K.
Identifiers: ClinVar variation 968322 (VCV000968322.12), dbSNP rs753549193, ClinGen allele CA1826831.

ClinVar aggregate classification (germline): Uncertain significance. Review status: criteria provided, multiple submitters, no conflicts (2 of 4 stars). 5 submissions from 5 submitters: Uncertain significance (5). Last evaluated 2025-07-31.

Conditions:
Nephronophthisis 1 (NPHP1). Also called: Nephronophthisis familial juvenile. Identifiers: Orphanet 655, Orphanet 93592, MedGen C1855681, MONDO:0009728, OMIM 256100.
Senior-Loken syndrome 1 (SLSN1). Also called: JUVENILE NEPHRONOPHTHISIS WITH LEBER AMAUROSIS. Identifiers: Orphanet 3156, MedGen C4551559, MONDO:0009962, OMIM 266900.
Joubert syndrome with renal defect. Also called: JOUBERT SYNDROME 4. Identifiers: Orphanet 220497, MedGen C1846790, MONDO:0012308, OMIM 609583.
NPHP1-related disorder. Also called: NPHP1-related disorders; NPHP1-related condition.
Nephronophthisis. Also called: Juvenile Nephronophthisis. Identifiers: Orphanet 655, MedGen C0687120, MONDO:0019005, HP:0000090.
Inborn genetic diseases. Identifiers: MedGen C0950123, MeSH D030342.

Allele frequency attached by ClinVar (database versions not stated): gnomAD exomes 0.00001 and 0.00003; TOPMed 0.00001; gnomAD 0.00002; ExAC 0.00004.
gnomAD v4.1: 24 of 1,613,962 alleles (0.0015%); highest among the groups gnomAD compares: Non-Finnish European, 0.0019%; no homozygotes.

Submissions (5):

Ambry Genetics
Classification: Uncertain significance for Inborn genetic diseases. Last evaluated: 2025-07-31. Review status: criteria provided, single submitter. Criteria: Ambry Variant Classification Scheme 2023. Collection method: clinical testing. Allele origin: germline.

PreventionGenetics, part of Exact Sciences
Classification: Uncertain significance for NPHP1-related condition. Last evaluated: 2025-07-22. Review status: criteria provided, single submitter. Criteria: ACMG Guidelines, 2015. Collection method: clinical testing. Allele origin: germline.
Comment: The NPHP1 c.2186G>A variant is predicted to result in the amino acid substitution p.Arg729Lys. To our knowledge, this variant has not been reported in the literature. This variant is reported in 0.0062% of alleles in individuals of European (Non-Finnish) descent in gnomAD. At this time, the clinical significance of this variant is uncertain due to the absence of conclusive functional and genetic evidence.

Fulgent Genetics
Classification: Uncertain significance for Nephronophthisis 1; Senior-Loken syndrome 1; Joubert syndrome with renal defect. Last evaluated: 2024-06-20. Review status: criteria provided, single submitter. Criteria: ACMG Guidelines, 2015. Collection method: clinical testing. Allele origin: germline.

Labcorp Genetics (formerly Invitae), Labcorp
Classification: Uncertain significance for Nephronophthisis. Last evaluated: 2022-09-07. Review status: criteria provided, single submitter. Criteria: Invitae Variant Classification Sherloc (09022015). Collection method: clinical testing. Allele origin: germline.
Comment: This sequence change replaces arginine, which is basic and polar, with lysine, which is basic and polar, at codon 729 of the NPHP1 protein (p.Arg729Lys). This variant is present in population databases (rs753549193, gnomAD 0.006%). This variant has not been reported in the literature in individuals affected with NPHP1-related conditions. ClinVar contains an entry for this variant (Variation ID: 968322). Algorithms developed to predict the effect of missense changes on protein structure and function are either unavailable or do not agree on the potential impact of this missense change (SIFT: "Tolerated"; PolyPhen-2: "Probably Damaging"; Align-GVGD: "Class C0"). In summary, the available evidence is currently insufficient to determine the role of this variant in disease. Therefore, it has been classified as a Variant of Uncertain Significance.

GeneDx
Classification: Uncertain significance. Last evaluated: 2021-03-16. Review status: criteria provided, single submitter. Criteria: GeneDx Variant Classification Process June 2021. Collection method: clinical testing. Allele origin: germline. Affected: yes.
Comment: Not observed at a significant frequency in large population cohorts (Lek et al., 2016); In silico analysis, which includes protein predictors and evolutionary conservation, supports that this variant does not alter protein structure/function; Has not been previously published as pathogenic or benign to our knowledge